The following is an entry in ClinVar:

ClinVar aggregate classification (germline): Uncertain significance (1 of 4 stars; one submission).

gnomAD v4.1: 7 of 1,605,532 alleles (0.00044%); highest among the groups gnomAD compares: Admixed American, 0.0017%; no homozygotes.

Submission:

Labcorp Genetics (formerly Invitae), Labcorp
Classification: Uncertain significance. Last evaluated: 2024-02-02. Review status: criteria provided, single submitter. Criteria: Invitae Variant Classification Sherloc (09022015). Collection method: clinical testing. Allele origin: germline.
Comment: This sequence change falls in intron 25 of the PHIP gene. It does not directly change the encoded amino acid sequence of the PHIP protein. This variant is present in population databases (rs758778439, gnomAD 0.003%). This variant has not been reported in the literature in individuals affected with PHIP-related conditions. Algorithms developed to predict the effect of sequence changes on RNA splicing suggest that this variant may disrupt the consensus splice site. In summary, the available evidence is currently insufficient to determine the role of this variant in disease. Therefore, it has been classified as a Variant of Uncertain Significance.

NM_017934.7(PHIP):c.2998-13C>G

Genes: IRAK1BP1 (interleukin 1 receptor associated kinase 1 binding protein 1; plus strand), PHIP (PHIP subunit of CUL4-Ring ligase complex; minus strand). Cytogenetic location: 6q14.1.
Variant type: single nucleotide variant.
Coding change: c.2998-13C>G on transcript NM_017934.7 (MANE Select); 13 bases into the intron before coding-DNA position 2998, C replaced by G.
Molecular consequence: intron variant.
Genome position (GRCh38, 1-based): chr6:78,970,186, G>C on the plus strand (C>G on the coding strand, the complement: PHIP is on the minus strand). VCF-style: chr6-78970186-G-C. GRCh37 (hg19) VCF-style: chr6-79679903-G-C.
Identifiers: ClinVar variation 3676396 (VCV003676396.2).